The following is an entry in ClinVar:

ClinVar aggregate classification (germline): Uncertain significance (1 of 4 stars; one submission).

Allele frequency attached by ClinVar (database versions not stated): gnomAD exomes below 0.00001; ExAC 0.00001.
gnomAD v4.1: 1 of 1,614,002 alleles (0.000062%); highest among the groups gnomAD compares: Non-Finnish European, 0.000085%; no homozygotes.

Submission:

Labcorp Genetics (formerly Invitae), Labcorp
Classification: Uncertain significance. Last evaluated: 2022-08-04. Review status: criteria provided, single submitter. Criteria: Invitae Variant Classification Sherloc (09022015). Collection method: clinical testing. Allele origin: germline.
Comment: In summary, the available evidence is currently insufficient to determine the role of this variant in disease. Therefore, it has been classified as a Variant of Uncertain Significance. Experimental studies and prediction algorithms are not available or were not evaluated, and the functional significance of this variant is currently unknown. This variant has not been reported in the literature in individuals affected with SLC46A1-related conditions. This variant is present in population databases (rs781823524, gnomAD 0.0009%). This sequence change replaces alanine, which is neutral and non-polar, with threonine, which is neutral and polar, at codon 321 of the SLC46A1 protein (p.Ala321Thr).

NM_080669.6(SLC46A1):c.961G>A (p.Ala321Thr)

Gene: SLC46A1 (solute carrier family 46 member 1; minus strand). Cytogenetic location: 17q11.2.
Variant type: single nucleotide variant.
Coding change: c.961G>A on transcript NM_080669.6 (MANE Select); coding-DNA position 961, G replaced by A.
Protein change: p.Ala321Thr; replaces alanine 321 with threonine.
Molecular consequence: missense variant.
Genome position (GRCh38, 1-based): chr17:28,404,736, C>T on the plus strand (G>A on the coding strand, the complement: SLC46A1 is on the minus strand). VCF-style: chr17-28404736-C-T. GRCh37 (hg19) VCF-style: chr17-26731754-C-T.
Other names: c.961G>A, p.Ala321Thr (NM_001242366.3); short protein forms A321T.
Identifiers: ClinVar variation 1715003 (VCV001715003.5), dbSNP rs781823524, ClinGen allele CA8458253.